The following is an entry in ClinVar:

ClinVar aggregate classification (germline): Uncertain significance. Review status: criteria provided, multiple submitters, no conflicts (2 of 4 stars). 4 submissions from 4 submitters: Uncertain significance (4). Last evaluated 2024-03-22.

Conditions:
Eichsfeld type congenital muscular dystrophy (CMYO3). Also called: Rigid spine muscular dystrophy 1; MYOPATHY, SEPN1-RELATED; SELENON-related myopathy; Congenital myopathy 3 with rigid spine. Identifiers: MedGen C0410180, MONDO:0100100, OMIM 602771.
SEPN1-related disorder. Also called: SEPN1-Related Disorders. Identifiers: MedGen CN239420.

Allele frequency attached by ClinVar (database versions not stated): gnomAD exomes 0.00001 and 0.00006; TOPMed 0.00002; gnomAD 0.00005 and 0.00006.
gnomAD v4.1: 97 of 1,590,202 alleles (0.0061%); highest among the groups gnomAD compares: Non-Finnish European, 0.0082%; 1 homozygote.

Submissions (4):

Blueprint Genetics
Classification: Uncertain significance. Last evaluated: 2024-03-22. Review status: criteria provided, single submitter. Criteria: ACMG Guidelines, 2015. Collection method: clinical testing. Allele origin: germline.

Labcorp Genetics (formerly Invitae), Labcorp
Classification: Uncertain significance for Eichsfeld type congenital muscular dystrophy. Last evaluated: 2024-01-08. Review status: criteria provided, single submitter. Criteria: Invitae Variant Classification Sherloc (09022015). Collection method: clinical testing. Allele origin: germline.
Comment: This sequence change replaces glutamine, which is neutral and polar, with histidine, which is basic and polar, at codon 397 of the SELENON protein (p.Gln397His). The frequency data for this variant in the population databases is considered unreliable, as metrics indicate poor data quality at this position in the gnomAD database. This missense change has been observed in individual(s) with clinical features of SELENON-related conditions (PMID: 31127727). ClinVar contains an entry for this variant (Variation ID: 493029). Advanced modeling of protein sequence and biophysical properties (such as structural, functional, and spatial information, amino acid conservation, physicochemical variation, residue mobility, and thermodynamic stability) has been performed at Invitae for this missense variant, however the output from this modeling did not meet the statistical confidence thresholds required to predict the impact of this variant on SELENON protein function. In summary, the available evidence is currently insufficient to determine the role of this variant in disease. Therefore, it has been classified as a Variant of Uncertain Significance.

Illumina Laboratory Services, Illumina
Classification: Uncertain significance for SEPN1-Related Disorders. Last evaluated: 2018-01-13. Review status: criteria provided, single submitter. Criteria: ICSL Variant Classification Criteria 13 December 2019. Collection method: clinical testing. Allele origin: germline.

CeGaT Center for Human Genetics Tuebingen
Classification: Uncertain significance. Last evaluated: 2017-08-01. Review status: criteria provided, single submitter. Criteria: CeGaT Center For Human Genetics Tuebingen Variant Classification Criteria Version 2. Collection method: clinical testing. Allele origin: germline. Affected: yes. Observed: 1 variant allele.

Literature cited by the submitters: PubMed 31127727 (cited by Labcorp Genetics (formerly Invitae), Labcorp).

NM_206926.2(SELENON):c.1089G>T (p.Gln363His)

Gene: SELENON (selenoprotein N; plus strand). Cytogenetic location: 1p36.11.
Variant type: single nucleotide variant.
Coding change: c.1089G>T on transcript NM_206926.2 (MANE Select); coding-DNA position 1089, G replaced by T.
Protein change: p.Gln363His; replaces glutamine 363 with histidine.
Molecular consequence: missense variant.
Genome position (GRCh38, 1-based): chr1:25,811,789, G>T. VCF-style: chr1-25811789-G-T. GRCh37 (hg19) VCF-style: chr1-26138280-G-T.
Other names: c.1191G>T, p.Gln397His (NM_020451.3); short protein forms Q397H, Q363H.
Identifiers: ClinVar variation 493029 (VCV000493029.52), dbSNP rs1311923186, ClinGen allele CA339117199.